The following is an entry in ClinVar:

ClinVar aggregate classification (germline): Benign/Likely benign. Review status: criteria provided, multiple submitters, no conflicts (2 of 4 stars). 3 submissions from 3 submitters: Benign (2); Likely benign (1). Last evaluated 2026-08-13.

Conditions:
Hereditary cancer-predisposing syndrome. Also called: Tumor predisposition; Neoplastic Syndromes, Hereditary; Hereditary Cancer Syndrome; Hereditary neoplastic syndrome. Identifiers: Orphanet 140162, MedGen C0027672, MeSH D009386, MONDO:0015356.
Breast-ovarian cancer, familial, susceptibility to, 4. Identifiers: Orphanet 145, MedGen C3280345, MONDO:0013669, OMIM 614291.

Allele frequency attached by ClinVar (database versions not stated): gnomAD 0.00002 and 0.00003; gnomAD exomes 0.00005 and 0.00007; ExAC 0.00007; 1000 Genomes Project 30x 0.00031; TOPMed 0.00001; 1000 Genomes Project 0.00040.

Submissions (3):

Myriad Genetics, Inc.
Classification: Benign for Breast-ovarian cancer, familial, susceptibility to, 4. Last evaluated: 2026-08-13. Review status: criteria provided, single submitter. Criteria: Myriad Autosomal Dominant, Autosomal Recessive and X-Linked Classification Criteria (2023). Collection method: clinical testing. Allele origin: unknown.
Comment: This variant is considered benign. This variant is intronic and is not expected to impact mRNA splicing. This variant is strongly associated with less severe personal and family histories of cancer, typical for individuals without pathogenic variants in this gene [PMID: 25085752].

Labcorp Genetics (formerly Invitae), Labcorp
Classification: Benign for Breast-ovarian cancer, familial, susceptibility to, 4. Last evaluated: 2026-02-03. Review status: criteria provided, single submitter. Criteria: Invitae Variant Classification Sherloc (09022015). Collection method: clinical testing. Allele origin: germline.

Color Diagnostics, LLC DBA Color Health
Classification: Likely benign for Hereditary cancer-predisposing syndrome. Last evaluated: 2016-08-05. Review status: criteria provided, single submitter. Criteria: ACMG Guidelines, 2015. Collection method: clinical testing. Allele origin: germline.

Literature cited by the submitters: PubMed 25085752 (cited by Myriad Genetics, Inc.).

NM_002878.4(RAD51D):c.83-20T>C

Genes: RAD51D (RAD51 paralog D; minus strand), RAD51L3-RFFL (RAD51L3-RFFL readthrough; minus strand). Cytogenetic location: 17q12.
Variant type: single nucleotide variant.
Coding change: c.83-20T>C on transcript NM_002878.4 (MANE Select); 20 bases into the intron before coding-DNA position 83, T replaced by C.
Molecular consequence: intron variant.
Genome position (GRCh38, 1-based): chr17:35,119,192, A>G on the plus strand (T>C on the coding strand, the complement: RAD51D is on the minus strand). VCF-style: chr17-35119192-A-G. GRCh37 (hg19) VCF-style: chr17-33446211-A-G.
Other names: c.83-20T>C (NM_133629.3, NM_001142571.2).
Identifiers: ClinVar variation 492449 (VCV000492449.13), dbSNP rs182793287, ClinGen allele CA8499675.